The following is an entry in ClinVar:

NM_001282116.2(RFX3):c.689G>A (p.Arg230Lys)

Gene: RFX3 (regulatory factor X3; minus strand). Cytogenetic location: 9p24.2.
Variant type: single nucleotide variant.
Coding change: c.689G>A on transcript NM_001282116.2 (MANE Select); coding-DNA position 689, G replaced by A.
Protein change: p.Arg230Lys; replaces arginine 230 with lysine.
Molecular consequence: missense variant.
Genome position (GRCh38, 1-based): chr9:3,293,119, C>T on the plus strand (G>A on the coding strand, the complement: RFX3 is on the minus strand). VCF-style: chr9-3293119-C-T. GRCh37 (hg19) VCF-style: chr9-3293119-C-T.
Other names: c.689G>A, p.Arg230Lys (NM_001282117.2, NM_001377999.1, NM_002919.4 and 1 more transcripts); short protein forms R230K.
Identifiers: ClinVar variation 3906606 (VCV003906606.1).

ClinVar aggregate classification (germline): Uncertain significance (1 of 4 stars; one submission).

Submission:

GeneDx
Classification: Uncertain significance. Last evaluated: 2024-12-18. Review status: criteria provided, single submitter. Criteria: GeneDx Variant Classification Process June 2021. Collection method: clinical testing. Allele origin: germline. Affected: yes.
Comment: Not observed at significant frequency in large population cohorts (gnomAD); In silico analysis supports that this missense variant has a deleterious effect on protein structure/function; Has not been previously published as pathogenic or benign to our knowledge